The following is an entry in ClinVar:

NM_000264.5(PTCH1):c.1135T>C (p.Tyr379His)

Gene: PTCH1 (patched 1; minus strand). Cytogenetic location: 9q22.32.
Variant type: single nucleotide variant.
Coding change: c.1135T>C on transcript NM_000264.5 (MANE Select); coding-DNA position 1135, T replaced by C.
Protein change: p.Tyr379His; replaces tyrosine 379 with histidine.
Molecular consequence: missense variant. On other transcripts: non-coding transcript variant (1).
Genome position (GRCh38, 1-based): chr9:95,479,080, A>G on the plus strand (T>C on the coding strand, the complement: PTCH1 is on the minus strand). VCF-style: chr9-95479080-A-G. GRCh37 (hg19) VCF-style: chr9-98241362-A-G.
Other names: c.1135T>C, p.Tyr379His (NM_001354918.2); c.937T>C, p.Tyr313His (NM_001083602.3); c.1132T>C, p.Tyr378His (NM_001083603.3); c.682T>C, p.Tyr228His (NM_001083604.3, NM_001083605.3, NM_001083606.3 and 1 more transcripts); short protein forms Y379H, Y313H, Y228H, Y378H.
Identifiers: ClinVar variation 453772 (VCV000453772.15), dbSNP rs1554699212, ClinGen allele CA374119388.
Genomic context (GRCh38, chr9:95,479,080, plus strand): 5'-AGGCCTCCAGGATGGCTGCCGCTTTGTCCTCGTTCCAGTTGATGTGTGAGACATACTCGT[A>G]CCCCTTGAAGTGCTCGTACATTTGCTTGGGAGTCATTAACTGGAACATGGTCTGCAGGGC-3'
Protein context (NP_000255.2, residues 369-389): PKQMYEHFKG[Tyr379His]EYVSHINWNE

ClinVar aggregate classification (germline): Uncertain significance. Review status: criteria provided, multiple submitters, no conflicts (2 of 4 stars). 2 submissions from 2 submitters: Uncertain significance (2). Last evaluated 2024-02-03.

Conditions:
Hereditary cancer-predisposing syndrome. Also called: Tumor predisposition; Hereditary Cancer Syndrome; Neoplastic Syndromes, Hereditary; Hereditary neoplastic syndrome. Identifiers: Orphanet 140162, MedGen C0027672, MeSH D009386, MONDO:0015356.
Gorlin syndrome. Also called: Basal cell nevus syndrome; Nevoid Basal Cell Carcinoma Syndrome. Identifiers: Orphanet 377, MedGen C0004779, MONDO:0007187.

Submissions (2):

Labcorp Genetics (formerly Invitae), Labcorp
Classification: Uncertain significance for Gorlin syndrome. Last evaluated: 2024-02-03. Review status: criteria provided, single submitter. Criteria: Invitae Variant Classification Sherloc (09022015). Collection method: clinical testing. Allele origin: germline.
Comment: This sequence change replaces tyrosine, which is neutral and polar, with histidine, which is basic and polar, at codon 379 of the PTCH1 protein (p.Tyr379His). This variant is not present in population databases (gnomAD no frequency). This variant has not been reported in the literature in individuals affected with PTCH1-related conditions. ClinVar contains an entry for this variant (Variation ID: 453772). Advanced modeling of protein sequence and biophysical properties (such as structural, functional, and spatial information, amino acid conservation, physicochemical variation, residue mobility, and thermodynamic stability) performed at Invitae indicates that this missense variant is not expected to disrupt PTCH1 protein function with a negative predictive value of 95%. In summary, the available evidence is currently insufficient to determine the role of this variant in disease. Therefore, it has been classified as a Variant of Uncertain Significance.

Ambry Genetics
Classification: Uncertain significance for Hereditary cancer-predisposing syndrome. Last evaluated: 2019-10-02. Review status: criteria provided, single submitter. Criteria: Ambry Variant Classification Scheme 2023. Collection method: clinical testing. Allele origin: germline.
Comment: The p.Y379H variant (also known as c.1135T>C), located in coding exon 8 of the PTCH1 gene, results from a T to C substitution at nucleotide position 1135. The tyrosine at codon 379 is replaced by histidine, an amino acid with similar properties. This amino acid position is well conserved in available vertebrate species. In addition, the in silico prediction for this alteration is inconclusive. Since supporting evidence is limited at this time, the clinical significance of this alteration remains unclear.